The following is an entry in ClinVar:

NM_058216.3(RAD51C):c.221G>A (p.Arg74Lys)

Gene: RAD51C (RAD51 paralog C; plus strand). Cytogenetic location: 17q22.
Variant type: single nucleotide variant.
Coding change: c.221G>A on transcript NM_058216.3 (MANE Select); coding-DNA position 221, G replaced by A.
Protein change: p.Arg74Lys; replaces arginine 74 with lysine.
Molecular consequence: missense variant. On other transcripts: non-coding transcript variant (2).
Genome position (GRCh38, 1-based): chr17:58,695,006, G>A. VCF-style: chr17-58695006-G-A. GRCh37 (hg19) VCF-style: chr17-56772367-G-A.
Other names: c.221G>A, p.Arg74Lys (NM_002876.4); short protein forms R74K.
Identifiers: ClinVar variation 1373027 (VCV001373027.6), dbSNP rs2143720177, ClinGen allele CA400340147.

ClinVar aggregate classification (germline): Uncertain significance (1 of 4 stars; one submission).

Conditions:
Fanconi anemia complementation group O. Also called: RAD51C-Related Fanconi Anemia. Identifiers: Orphanet 84, MedGen C3150653, MONDO:0013248, OMIM 613390.

Allele frequency attached by ClinVar (database versions not stated): gnomAD exomes below 0.00001.

Submission:

Labcorp Genetics (formerly Invitae), Labcorp
Classification: Uncertain significance for Fanconi anemia complementation group O. Last evaluated: 2022-10-17. Review status: criteria provided, single submitter. Criteria: Invitae Variant Classification Sherloc (09022015). Collection method: clinical testing. Allele origin: germline.
Comment: ClinVar contains an entry for this variant (Variation ID: 1373027). This sequence change replaces arginine, which is basic and polar, with lysine, which is basic and polar, at codon 74 of the RAD51C protein (p.Arg74Lys). This variant is not present in population databases (gnomAD no frequency). This variant has not been reported in the literature in individuals affected with RAD51C-related conditions. Algorithms developed to predict the effect of missense changes on protein structure and function output the following: SIFT: "Tolerated"; PolyPhen-2: "Benign"; Align-GVGD: "Class C0". The lysine amino acid residue is found in multiple mammalian species, which suggests that this missense change does not adversely affect protein function. In summary, the available evidence is currently insufficient to determine the role of this variant in disease. Therefore, it has been classified as a Variant of Uncertain Significance.